The following is an entry in ClinVar:

NM_013254.4(TBK1):c.1856G>A (p.Trp619Ter)

Gene: TBK1 (TANK binding kinase 1; plus strand). Cytogenetic location: 12q14.2.
Variant type: single nucleotide variant.
Coding change: c.1856G>A on transcript NM_013254.4 (MANE Select); coding-DNA position 1856, G replaced by A.
Protein change: p.Trp619Ter; replaces tryptophan 619 with a stop codon.
Molecular consequence: nonsense.
Genome position (GRCh38, 1-based): chr12:64,497,044, G>A. VCF-style: chr12-64497044-G-A. GRCh37 (hg19) VCF-style: chr12-64890824-G-A.
Other names: short protein forms W619*.
Identifiers: ClinVar variation 1805458 (VCV001805458.1), dbSNP rs2539537276, ClinGen allele CA385605778.

ClinVar aggregate classification (germline): Pathogenic (1 of 4 stars; one submission).

Conditions:
Frontotemporal dementia and/or amyotrophic lateral sclerosis 4. Also called: FTDALS4. Identifiers: Orphanet 275872, MedGen C4225325, MONDO:0014641, OMIM 616439.

Submission:

Victorian Clinical Genetics Services, Murdoch Childrens Research Institute
Classification: Pathogenic for Frontotemporal dementia and/or amyotrophic lateral sclerosis 4. Last evaluated: 2022-03-31. Review status: criteria provided, single submitter. Criteria: ACMG Guidelines, 2015. Collection method: clinical testing. Allele origin: germline. Inheritance: Autosomal dominant inheritance.
Comment: Based on the classification scheme VCGS_Germline_v1.3.4, this variant is classified as Pathogenic. Following criteria are met: 0102 - Loss of function is a known mechanism of disease in this gene and is associated with frontotemporal dementia and/or amyotrophic lateral sclerosis 4 (MIM#616439). (I) 0107 - This gene is associated with autosomal dominant disease. (I) 0112 - The condition associated with this gene has incomplete penetrance. Despite the late disease onset, incomplete penetrance has been reported (OMIM, PMIDs: 25803835, 26581300). (I) 0115 - Variants in this gene are known to have variable expressivity. Intra-familial variability of clinical features has been reported (PMID: 25803835). (I) 0201 - Variant is predicted to cause nonsense-mediated decay (NMD) and loss of protein (premature termination codon is located at least 54 nucleotides upstream of the final exon-exon junction). (SP) 0251 - This variant is heterozygous. (I) 0301 - Variant is absent from gnomAD (both v2 and v3). (SP) 0701 - Other premature termination variants comparable to the one identified in this case have very strong previous evidence for pathogenicity. Many NMD-predicted variants have been reported as likely pathogenic/pathogenic in ClinVar. (SP) 0803 - This variant has limited previous evidence of pathogenicity in an unrelated individual. It has been reported as homozygous in two siblings with chronic and systemic autoinflammation, and brain MRI showing frontal/temporal infarction and in basal ganglia or multiple white matter lesions (PMID: 34363755). The variant is heterozygous in their father, who was not known to be affected. (SP) 1001 - This variant has strong functional evidence supporting abnormal protein function. Immortalised fibroblasts derived from patients who are homozygous showed severely reduced TBK1 mRNA level and undetectable TBK1 protein (PMID: 34363755). (I) Legend: (SP) - Supporting pathogenic, (I) - Information, (SB) - Supporting benign

Literature cited by the submitters: PubMed 25803835; PubMed 26581300; PubMed 34363755.